The following is an entry in ClinVar:

ClinVar aggregate classification (germline): Pathogenic/Likely pathogenic. Review status: criteria provided, multiple submitters, no conflicts (2 of 4 stars). 3 submissions from 3 submitters: Pathogenic (1); Likely pathogenic (2). Last evaluated 2024-08-26.

Conditions:
Familial hemophagocytic lymphohistiocytosis 3 (FHL3). Also called: UNC13D-Related Familial Hemophagocytic Lymphohistiocytosis (UNC13D-fHLH). Identifiers: Orphanet 540, MedGen C1837174, MONDO:0012146, OMIM 608898.

Allele frequency attached by ClinVar (database versions not stated): TOPMed below 0.00001; gnomAD 0.00001; gnomAD exomes 0.00001; ExAC 0.00002.

Submissions (3):

GeneDx
Classification: Likely pathogenic. Last evaluated: 2024-08-26. Review status: criteria provided, single submitter. Criteria: GeneDx Variant Classification Process June 2021. Collection method: clinical testing. Allele origin: germline. Affected: yes.
Comment: Observed with a second UNC13D variant in a patient with chronic lymphocytic inflammation with pontine perivascular enhancement responsive to steroids (PMID: 33658321); Nonsense variant predicted to result in protein truncation or nonsense mediated decay in a gene for which loss of function is a known mechanism of disease; Not observed at significant frequency in large population cohorts (gnomAD); This variant is associated with the following publications: (PMID: 33658321)

Fulgent Genetics
Classification: Likely pathogenic for Familial hemophagocytic lymphohistiocytosis 3. Last evaluated: 2022-04-08. Review status: criteria provided, single submitter. Criteria: ACMG Guidelines, 2015. Collection method: clinical testing. Allele origin: unknown.

Labcorp Genetics (formerly Invitae), Labcorp
Classification: Pathogenic for Familial hemophagocytic lymphohistiocytosis 3. Last evaluated: 2021-04-16. Review status: criteria provided, single submitter. Criteria: Invitae Variant Classification Sherloc (09022015). Collection method: clinical testing. Allele origin: germline.
Comment: This variant is present in population databases (rs747169857, ExAC 0.003%). This sequence change creates a premature translational stop signal (p.Gln307*) in the UNC13D gene. It is expected to result in an absent or disrupted protein product. Loss-of-function variants in UNC13D are known to be pathogenic (PMID: 14622600). This variant has not been reported in the literature in individuals with UNC13D-related conditions. ClinVar contains an entry for this variant (Variation ID: 372959). For these reasons, this variant has been classified as Pathogenic.

Literature cited by the submitters: PubMed 14622600 (cited by Labcorp Genetics (formerly Invitae), Labcorp).

NM_199242.3(UNC13D):c.919C>T (p.Gln307Ter)

Gene: UNC13D (unc-13 homolog D; minus strand). Cytogenetic location: 17q25.1.
Variant type: single nucleotide variant.
Coding change: c.919C>T on transcript NM_199242.3 (MANE Select); coding-DNA position 919, C replaced by T.
Protein change: p.Gln307Ter; replaces glutamine 307 with a stop codon.
Molecular consequence: nonsense.
Genome position (GRCh38, 1-based): chr17:75,840,050, G>A on the plus strand (C>T on the coding strand, the complement: UNC13D is on the minus strand). VCF-style: chr17-75840050-G-A. GRCh37 (hg19) VCF-style: chr17-73836131-G-A.
Other names: short protein forms Q307*.
Identifiers: ClinVar variation 372959 (VCV000372959.10), dbSNP rs747169857, ClinGen allele CA8773208.